The following is an entry in ClinVar:

ClinVar aggregate classification (germline): Conflicting classifications of pathogenicity. Review status: criteria provided, conflicting classifications (1 of 4 stars). 5 submissions from 5 submitters: Uncertain significance (3); Likely benign (1). 1 of the submissions does not count toward it. Last evaluated 2024-12-18.

Conditions:
Hereditary cancer-predisposing syndrome. Also called: Hereditary Cancer Syndrome; Neoplastic Syndromes, Hereditary; Tumor predisposition; Hereditary neoplastic syndrome. Identifiers: Orphanet 140162, MedGen C0027672, MeSH D009386, MONDO:0015356.
Microcephaly, normal intelligence and immunodeficiency (NBS). Also called: IMMUNODEFICIENCY, MICROCEPHALY, AND CHROMOSOMAL INSTABILITY; SEEMANOVA SYNDROME II; Immunodeficiency, microcephaly with normal intelligence; Ataxia telangiectasia variant V1; Nijmegen breakage syndrome; Microcephaly with normal intelligence immunodeficiency and lymphoreticular malignancies. Identifiers: Orphanet 647, MedGen C0398791, MONDO:0009623, OMIM 251260.

Allele frequency attached by ClinVar (database versions not stated): gnomAD exomes below 0.00001 and 0.00001; ExAC 0.00001.
gnomAD v4.1: 5 of 1,612,516 alleles (0.00031%); highest among the groups gnomAD compares: Admixed American, 0.0033%; no homozygotes.

Submissions (5):

Labcorp Genetics (formerly Invitae), Labcorp
Classification: Uncertain significance for Microcephaly, normal intelligence and immunodeficiency. Last evaluated: 2024-12-18. Review status: criteria provided, single submitter. Criteria: Invitae Variant Classification Sherloc (09022015). Collection method: clinical testing. Allele origin: germline.
Comment: This sequence change replaces glutamic acid, which is acidic and polar, with lysine, which is basic and polar, at codon 606 of the NBN protein (p.Glu606Lys). This variant is present in population databases (rs774324419, gnomAD 0.003%). This variant has not been reported in the literature in individuals affected with NBN-related conditions. ClinVar contains an entry for this variant (Variation ID: 186796). An algorithm developed to predict the effect of missense changes on protein structure and function outputs the following: PolyPhen-2: "Benign". The lysine amino acid residue is found in multiple mammalian species, which suggests that this missense change does not adversely affect protein function. In summary, the available evidence is currently insufficient to determine the role of this variant in disease. Therefore, it has been classified as a Variant of Uncertain Significance.

Ambry Genetics
Classification: Likely benign for Hereditary cancer-predisposing syndrome. Last evaluated: 2023-10-31. Review status: criteria provided, single submitter. Criteria: Ambry Variant Classification Scheme 2023. Collection method: clinical testing. Allele origin: germline.

Genome-Nilou Lab
Classification: Uncertain significance for Microcephaly, normal intelligence and immunodeficiency. Last evaluated: 2021-11-07. Review status: criteria provided, single submitter. Criteria: ACMG Guidelines, 2015. Collection method: clinical testing. Allele origin: germline. Affected: no.

Women's Health and Genetics/Laboratory Corporation of America, LabCorp
Classification: Uncertain significance. Last evaluated: 2017-07-03. Review status: criteria provided, single submitter. Criteria: LabCorp Variant Classification Summary - May 2015. Collection method: clinical testing. Allele origin: germline.
Comment: Variant summary: The c.1816G>A (p.Glu606Lys) in NBN gene is a missense variant involves a non-conserved nucleotide and 5/5 in silico tools predict benign outcome, however no functional studies supporting these predictions were published at the time of evaluation. The variant is present at a low frequencies in the control population datasets of ExAC and gnomAD (8.24e-06; 1/121362 and 2/245612 chrs tested, respectively). These frequencies do not exceed the maximal expected allele frequency for a disease causing allele in NBN gene (0.000125). To our knowledge, the variant has not been reported in affected individuals via published reports, but is cited as VUS by reputable databases/clinical laboratories. Taken together, the variant was classified as VUS, until new information becomes available.

Natera, Inc.
Classification: Uncertain significance for Nijmegen breakage syndrome. Last evaluated: 2020-07-19. Review status: no assertion criteria provided. Collection method: clinical testing. Allele origin: germline. Not counted in ClinVar's aggregate classification.

NM_002485.5(NBN):c.1816G>A (p.Glu606Lys)

Gene: NBN (nibrin; minus strand). Cytogenetic location: 8q21.3.
Variant type: single nucleotide variant.
Coding change: c.1816G>A on transcript NM_002485.5 (MANE Select); coding-DNA position 1816, G replaced by A.
Protein change: p.Glu606Lys; replaces glutamic acid 606 with lysine.
Molecular consequence: missense variant.
Genome position (GRCh38, 1-based): chr8:89,953,273, C>T on the plus strand (G>A on the coding strand, the complement: NBN is on the minus strand). VCF-style: chr8-89953273-C-T. GRCh37 (hg19) VCF-style: chr8-90965501-C-T.
Other names: c.1570G>A, p.Glu524Lys (NM_001024688.3); short protein forms E606K, E524K.
Identifiers: ClinVar variation 186796 (VCV000186796.22), dbSNP rs774324419, ClinGen allele CA195896.